The following is an entry in ClinVar:

NM_001171.6(ABCC6):c.3412C>T (p.Arg1138Trp)

Gene: ABCC6 (ATP binding cassette subfamily C member 6; minus strand). Cytogenetic location: 16p13.11.
Variant type: single nucleotide variant.
Coding change: c.3412C>T on transcript NM_001171.6 (MANE Select); coding-DNA position 3412, C replaced by T.
Protein change: p.Arg1138Trp; replaces arginine 1138 with tryptophan.
Molecular consequence: missense variant.
Genome position (GRCh38, 1-based): chr16:16,163,087, G>A on the plus strand (C>T on the coding strand, the complement: ABCC6 is on the minus strand). VCF-style: chr16-16163087-G-A. GRCh37 (hg19) VCF-style: chr16-16256944-G-A.
Other names: c.3070C>T, p.Arg1024Trp (NM_001351800.1); short protein forms R1138W, R1024W.
Identifiers: ClinVar variation 6571 (VCV000006571.25), dbSNP rs28939701, ClinGen allele CA281573.
Genomic context (GRCh38, chr16:16,163,087, plus strand): 5'-GGCTTTCATCTACGCGAGCATTGTTCTGAGCCACAAAGGGGGCCTGGGTTCGGAATGCCC[G>A]GACCACTGTGCTGCCCTGGAACGTCTCAGCCATGTGGGAGCAGACAGACGAGTAGCTGGC-3'
Protein context (NP_001162.5, residues 1128-1148): AETFQGSTVV[Arg1138Trp]AFRTQAPFVA

ClinVar aggregate classification (germline): Pathogenic/Likely pathogenic. Review status: criteria provided, multiple submitters, no conflicts (2 of 4 stars). 11 submissions from 11 submitters: Pathogenic (8); Likely pathogenic (1). 2 of the submissions do not count toward it. Last evaluated 2026-06-11.

Conditions:
ABCC6-related disorder. Also called: ABCC6-related condition.
Autosomal recessive inherited pseudoxanthoma elasticum (PXE). Identifiers: Orphanet 758, MedGen CN032334, MONDO:0009925, OMIM 264800.
Pseudoxanthoma elasticum, forme fruste. Also called: PSEUDOXANTHOMA ELASTICUM, HETEROZYGOUS; Pseudoxanthoma Elasticum, Incomplete. Identifiers: Orphanet 758, MedGen C1867450, MONDO:0008333, OMIM 177850.
Arterial calcification, generalized, of infancy, 2. Identifiers: Orphanet 51608, MedGen C3276161, MONDO:0013768, OMIM 614473.

Allele frequency attached by ClinVar (database versions not stated): ExAC 0.00008; gnomAD 0.00004; gnomAD exomes 0.00004 and 0.00003; TOPMed 0.00007.
gnomAD v4.1: 46 of 1,613,720 alleles (0.0029%); highest among the groups gnomAD compares: East Asian, 0.0089%; no homozygotes.

Submissions (11):

PreventionGenetics, part of Exact Sciences
Classification: Pathogenic for ABCC6-related condition. Last evaluated: 2026-06-11. Review status: criteria provided, single submitter. Criteria: ACMG Guidelines, 2015. Collection method: clinical testing. Allele origin: germline.
Comment: The ABCC6 c.3412C>T variant is predicted to result in the amino acid substitution p.Arg1138Trp. This variant has been reported in multiple individuals with autosomal recessive pseudoxanthoma elasticum (see for example, Ringpfeil et al. 2000. PubMed ID: 10811882; Miksch et al. 2005. PubMed ID: 16086317; Tables S1, Szeri et al. 2022. PubMed ID: 36317459) and in individuals with heritable ectopic mineralization disorders (Table S1, Saeidian et al. 2021. PubMed ID: 34906475). This variant is reported in 0.015% of alleles in individuals of East Asian descent in gnomAD. This variant is interpreted as pathogenic.

Labcorp Genetics (formerly Invitae), Labcorp
Classification: Pathogenic. Last evaluated: 2026-01-26. Review status: criteria provided, single submitter. Criteria: Invitae Variant Classification Sherloc (09022015). Collection method: clinical testing. Allele origin: germline.
Comment: This sequence change replaces arginine, which is basic and polar, with tryptophan, which is neutral and slightly polar, at codon 1138 of the ABCC6 protein (p.Arg1138Trp). This variant is present in population databases (rs28939701, gnomAD 0.02%). This missense change has been observed in individuals with pseudoxanthoma elasticum (PMID: 10811882, 16086317, 18157818). It has also been observed to segregate with disease in related individuals. ClinVar contains an entry for this variant (Variation ID: 6571). Invitae Evidence Modeling of protein sequence and biophysical properties (such as structural, functional, and spatial information, amino acid conservation, physicochemical variation, residue mobility, and thermodynamic stability) indicates that this missense variant is expected to disrupt ABCC6 protein function with a positive predictive value of 95%. Algorithms developed to predict the effect of sequence changes on RNA splicing suggest that this variant may disrupt the consensus splice site. For these reasons, this variant has been classified as Pathogenic.

Variantyx, Inc.
Classification: Pathogenic for Autosomal recessive inherited pseudoxanthoma elasticum. Last evaluated: 2025-03-06. Review status: criteria provided, single submitter. Criteria: Variantyx Assertion Criteria 2022. Collection method: clinical testing. Allele origin: germline. Inheritance: Autosomal recessive inheritance. Affected: no.
Comment: This is a nonsynonymous variant in the ABCC6 gene (OMIM: 603234). Pathogenic variants in this gene have been associated with autosomal autosomal recessive pseudoxanthoma elasticum. This variant has been identified in the homozygous or compound heterozygous state in one or more of the following: the current proband, and at least 10 individuals reported in the published literature (PMID: 34906475) (PM3_Strong). Functional studies have shown that this variant alters ABCC6 protein function (PMID: 34906475) (PS3), and multiple computational algorithms predict a deleterious effect for this variant (REVEL score: 0.912) (PP3). Moreover, alternate amino acid changes at this position (p.Arg1138Gln, p.Arg1138Pro) have been previously reported in similarly affected individuals, which suggests that this residue is biologically important (PMID:32873932, 11536079) (PM5). This variant has a 0.0089% maximum allele frequency in non-founder control populations (PM2). Based on the current evidence, this variant is classified as pathogenic for autosomal recessive pseudoxanthoma elasticum.

Blueprint Genetics
Classification: Pathogenic for ABCC6-related disorders. Last evaluated: 2024-09-16. Review status: criteria provided, single submitter. Criteria: ACMG Guidelines, 2015. Collection method: clinical testing. Allele origin: germline. Affected: yes. Observed: 5 variant alleles.

Revvity Omics, Revvity
Classification: Pathogenic. Last evaluated: 2024-07-25. Review status: criteria provided, single submitter. Criteria: ACMG Guidelines, 2015. Collection method: clinical testing. Allele origin: germline.

Fulgent Genetics
Classification: Pathogenic for Pseudoxanthoma elasticum, forme fruste; Autosomal recessive inherited pseudoxanthoma elasticum; Arterial calcification, generalized, of infancy, 2. Last evaluated: 2024-04-06. Review status: criteria provided, single submitter. Criteria: ACMG Guidelines, 2015. Collection method: clinical testing. Allele origin: germline.

GeneDx
Classification: Pathogenic. Last evaluated: 2022-10-23. Review status: criteria provided, single submitter. Criteria: GeneDx Variant Classification Process June 2021. Collection method: clinical testing. Allele origin: germline. Affected: yes.
Comment: Published functional studies demonstrate reduced protein abundance, disruption of cellular trafficking, and inability to rescue plasma PPi and prevent ectopic mineralization (Saeidian et al., 2022); In silico analysis supports that this missense variant has a deleterious effect on protein structure/function; This variant is associated with the following publications: (PMID: 34205333, 16086317, 11427982, 11493310, 10811882, 17617515, 15894595, 28186352, 31589614, 34906475, 21603348)

Clinical Genetics Laboratory, Skane University Hospital Lund
Classification: Likely pathogenic. Last evaluated: 2022-08-16. Review status: criteria provided, single submitter. Criteria: ACMG Guidelines, 2015. Collection method: clinical testing. Allele origin: germline. Affected: yes.

Juno Genomics, Hangzhou Juno Genomics, Inc
Classification: Pathogenic for Arterial calcification, generalized, of infancy, 2; Autosomal recessive inherited pseudoxanthoma elasticum; Pseudoxanthoma elasticum, forme fruste. Review status: criteria provided, single submitter. Criteria: ACMG Guidelines, 2015. Collection method: clinical testing. Allele origin: germline.
Comment: Absent from controls (or at extremely low frequency if recessive) in Genome Aggregation Database.;Multiple lines of computational evidence support a deleterious effect on the gene or gene product.;For recessive disorders, detected in trans with a pathogenic variant.;Patient's phenotype or family history is highly specific for a disease with a single genetic etiology.

PXE International
Classification: Pathogenic for Autosomal recessive inherited pseudoxanthoma elasticum. Last evaluated: 2021-03-01. Review status: no assertion criteria provided. Collection method: research. Allele origin: germline. Inheritance: Autosomal recessive inheritance. Affected: yes. Observed: 13 variant alleles. Clinical features observed: Bilateral radial artery occlusion, Papule (HP:0200034), Peau d'orange retinal changes, Intermittent claudication (HP:0004417), Hypothyroidism, Skin plaque (HP:0200035), Retinal hemorrhage (HP:0000573), Angioid streaks (HP:0001102), Weak or absent arterial pulse, Abnormally lax or hyperextensible skin (HP:0008067), Gastrointestinal hemorrhage (HP:0002239). Not counted in ClinVar's aggregate classification.

OMIM
Classification: Pathogenic for PSEUDOXANTHOMA ELASTICUM. Last evaluated: 2001-08-01. Review status: no assertion criteria provided. Collection method: literature only. Allele origin: germline. Not counted in ClinVar's aggregate classification.

Literature cited by the submitters: PubMed 10811882 (cited by Labcorp Genetics (formerly Invitae), Labcorp and OMIM); PubMed 16086317 (cited by Labcorp Genetics (formerly Invitae), Labcorp); PubMed 18157818 (cited by Labcorp Genetics (formerly Invitae), Labcorp); PubMed 34906475 (cited by Variantyx, Inc.); PubMed 32873932 (cited by Variantyx, Inc. and PXE International); PubMed 11536079 (cited by Variantyx, Inc.); PubMed 11493310 (cited by OMIM).